The following is an entry in ClinVar:

ClinVar aggregate classification (germline): Pathogenic (1 of 4 stars; one submission).

Submission:

Labcorp Genetics (formerly Invitae), Labcorp
Classification: Pathogenic. Last evaluated: 2019-01-25. Review status: criteria provided, single submitter. Criteria: Invitae Variant Classification Sherloc (09022015). Collection method: clinical testing. Allele origin: germline.
Comment: For these reasons, this variant has been classified as Pathogenic. Loss-of-function variants in LIFR are known to be pathogenic (PMID: 14740318). Algorithms developed to predict the effect of sequence changes on RNA splicing suggest that this variant may create or strengthen a splice site, but this prediction has not been confirmed by published transcriptional studies. This variant has not been reported in the literature in individuals with LIFR-related conditions. This variant is not present in population databases (ExAC no frequency). This sequence change creates a premature translational stop signal (p.Trp517*) in the LIFR gene. It is expected to result in an absent or disrupted protein product.

Literature cited by the submitters: PubMed 14740318.

NM_001127671.2(LIFR):c.1550G>A (p.Trp517Ter)

Gene: LIFR (LIF receptor subunit alpha; minus strand). Cytogenetic location: 5p13.1.
Variant type: single nucleotide variant.
Coding change: c.1550G>A on transcript NM_001127671.2 (MANE Select); coding-DNA position 1550, G replaced by A.
Protein change: p.Trp517Ter; replaces tryptophan 517 with a stop codon.
Molecular consequence: nonsense.
Genome position (GRCh38, 1-based): chr5:38,502,687, C>T on the plus strand (G>A on the coding strand, the complement: LIFR is on the minus strand). VCF-style: chr5-38502687-C-T. GRCh37 (hg19) VCF-style: chr5-38502789-C-T.
Other names: c.1550G>A, p.Trp517Ter (NM_001364297.2, NM_001364298.2, NM_002310.6); short protein forms W517*.
Identifiers: ClinVar variation 853812 (VCV000853812.7), dbSNP rs1745248753, ClinGen allele CA359542213.
Genomic context (GRCh38, chr5:38,502,687, plus strand): 5'-GTTAACTTACTGGCTTCTGTTGTTAAATGTTGTTTTTTATTGCTCCATTTGCTCCATTTC[C>T]AGAAAGTTTCAGTAGAACAACGAATCCGAAAAGTATATAGAGTGTATGGATTTAACTTGT-3'